The following is an entry in ClinVar:

NM_005235.3(ERBB4):c.1691A>G (p.Asp564Gly)

Gene: ERBB4 (erb-b2 receptor tyrosine kinase 4; minus strand). Cytogenetic location: 2q34.
Variant type: single nucleotide variant.
Coding change: c.1691A>G on transcript NM_005235.3 (MANE Select); coding-DNA position 1691, A replaced by G.
Protein change: p.Asp564Gly; replaces aspartic acid 564 with glycine.
Molecular consequence: missense variant.
Genome position (GRCh38, 1-based): chr2:211,673,189, T>C on the plus strand (A>G on the coding strand, the complement: ERBB4 is on the minus strand). VCF-style: chr2-211673189-T-C. GRCh37 (hg19) VCF-style: chr2-212537914-T-C.
Other names: c.1691A>G, p.Asp564Gly (NM_001042599.2); short protein forms D564G.
Identifiers: ClinVar variation 3611641 (VCV003611641.2).
Genomic context (GRCh38, chr2:211,673,189, plus strand): 5'-ATAAGCCAACACACCACAGATGTCTTCAGGCTTACCGGTCCATGGCATGTGAGGAGGCCA[T>C]CTTCCATCTTCTCACACTGGGGGTCACACTCCACACAGATGGAGCCATTCTCAAACTCCC-3'
Protein context (NP_005226.1, residues 554-574): ECDPQCEKME[Asp564Gly]GLLTCHGPGP

ClinVar aggregate classification (germline): Uncertain significance (1 of 4 stars; one submission).

Submission:

Labcorp Genetics (formerly Invitae), Labcorp
Classification: Uncertain significance. Last evaluated: 2024-11-04. Review status: criteria provided, single submitter. Criteria: Invitae Variant Classification Sherloc (09022015). Collection method: clinical testing. Allele origin: germline.
Comment: This sequence change replaces aspartic acid, which is acidic and polar, with glycine, which is neutral and non-polar, at codon 564 of the ERBB4 protein (p.Asp564Gly). This variant is not present in population databases (gnomAD no frequency). This variant has not been reported in the literature in individuals affected with ERBB4-related conditions. An algorithm developed to predict the effect of missense changes on protein structure and function (PolyPhen-2) suggests that this variant is likely to be tolerated. In summary, the available evidence is currently insufficient to determine the role of this variant in disease. Therefore, it has been classified as a Variant of Uncertain Significance.